The following is an entry in ClinVar:

ClinVar aggregate classification (germline): Uncertain significance. Review status: criteria provided, multiple submitters, no conflicts (2 of 4 stars). 3 submissions from 3 submitters: Uncertain significance (3). Last evaluated 2025-11-20.

Allele frequency attached by ClinVar (database versions not stated): gnomAD exomes 0.00001; ExAC 0.00003; ESP Exome Variant Server 0.00008; gnomAD 0.00008; TOPMed 0.00008.
gnomAD v4.1: 24 of 1,604,742 alleles (0.0015%); highest among the groups gnomAD compares: African/African-American, 0.02%; no homozygotes.

Submissions (3):

Ambry Genetics
Classification: Uncertain significance. Last evaluated: 2025-11-20. Review status: criteria provided, single submitter. Criteria: Ambry Variant Classification Scheme 2023. Collection method: clinical testing. Allele origin: germline.

Mayo Clinic Laboratories, Mayo Clinic
Classification: Uncertain significance. Last evaluated: 2024-01-11. Review status: criteria provided, single submitter. Criteria: ACMG Guidelines, 2015. Collection method: clinical testing. Allele origin: germline. Observed: 1 variant allele.
Comment: BP4, PM1

Labcorp Genetics (formerly Invitae), Labcorp
Classification: Uncertain significance. Last evaluated: 2023-07-31. Review status: criteria provided, single submitter. Criteria: Invitae Variant Classification Sherloc (09022015). Collection method: clinical testing. Allele origin: germline.
Comment: In summary, the available evidence is currently insufficient to determine the role of this variant in disease. Therefore, it has been classified as a Variant of Uncertain Significance. Advanced modeling of protein sequence and biophysical properties (such as structural, functional, and spatial information, amino acid conservation, physicochemical variation, residue mobility, and thermodynamic stability) performed at Invitae indicates that this missense variant is not expected to disrupt PLA2G4A protein function. This variant has not been reported in the literature in individuals affected with PLA2G4A-related conditions. This variant is present in population databases (rs375721623, gnomAD 0.02%). This sequence change replaces serine, which is neutral and polar, with leucine, which is neutral and non-polar, at codon 435 of the PLA2G4A protein (p.Ser435Leu).

NM_024420.3(PLA2G4A):c.1304C>T (p.Ser435Leu)

Genes: PLA2G4A (phospholipase A2 group IVA; plus strand), LOC129388668 (MPRA-validated peak520 silencer; plus strand). Cytogenetic location: 1q31.1.
Variant type: single nucleotide variant.
Coding change: c.1304C>T on transcript NM_024420.3 (MANE Select); coding-DNA position 1304, C replaced by T.
Protein change: p.Ser435Leu; replaces serine 435 with leucine.
Molecular consequence: missense variant.
Genome position (GRCh38, 1-based): chr1:186,950,696, C>T. VCF-style: chr1-186950696-C-T. GRCh37 (hg19) VCF-style: chr1-186919828-C-T.
Other names: p.Ser435Leu; c.1124C>T, p.Ser375Leu (NM_001311193.2); c.1304C>T (NM_024420.2); short protein forms S375L, S435L.
Identifiers: ClinVar variation 2906548 (VCV002906548.5), dbSNP rs375721623, ClinGen allele CA1300186.